The following is an entry in ClinVar:

ClinVar aggregate classification (germline): Conflicting classifications of pathogenicity. Review status: criteria provided, conflicting classifications (1 of 4 stars). 2 submissions from 2 submitters: Uncertain significance (1); Likely benign (1). Last evaluated 2026-05-01.

Conditions:
Inborn genetic diseases. Identifiers: MedGen C0950123, MeSH D030342.

gnomAD v4.1: 3 of 1,614,112 alleles (0.00019%); highest among the groups gnomAD compares: Admixed American, 0.005%; no homozygotes.

Submissions (2):

CeGaT Center for Human Genetics Tuebingen
Classification: Likely benign. Last evaluated: 2026-05-01. Review status: criteria provided, single submitter. Criteria: CeGaT Center For Human Genetics Tuebingen Variant Classification Criteria Version 2. Collection method: clinical testing. Allele origin: germline. Affected: yes. Observed: 1 variant allele.
Comment: ITSN1: BP4

Ambry Genetics
Classification: Uncertain significance for Inborn genetic diseases. Last evaluated: 2024-05-12. Review status: criteria provided, single submitter. Criteria: Ambry Variant Classification Scheme 2023. Collection method: clinical testing. Allele origin: germline.

NM_003024.3(ITSN1):c.2468C>G (p.Pro823Arg)

Gene: ITSN1 (intersectin 1; plus strand). Cytogenetic location: 21q22.11.
Variant type: single nucleotide variant.
Coding change: c.2468C>G on transcript NM_003024.3 (MANE Select); coding-DNA position 2468, C replaced by G.
Protein change: p.Pro823Arg; replaces proline 823 with arginine.
Molecular consequence: missense variant.
Genome position (GRCh38, 1-based): chr21:33,811,123, C>G. VCF-style: chr21-33811123-C-G. GRCh37 (hg19) VCF-style: chr21-35183427-C-G.
Other names: c.2468C>G, p.Pro823Arg (NM_001001132.2, NM_001331008.2); c.2453C>G, p.Pro818Arg (NM_001331009.2, NM_001331010.2, NM_001331011.2); c.2342C>G, p.Pro781Arg (NM_001331012.2); short protein forms P781R, P818R, P823R.
Identifiers: ClinVar variation 3287063 (VCV003287063.3).
Genomic context (GRCh38, chr21:33,811,123, plus strand): 5'-AAATCCCAGAAAATGAGGTTCCCGCTCCAGTGAAACCAGTGACTGATTCAACATCTGCCC[C>G]TGCCCCCAAACTGGCCTTGCGTGAGACCCCCGCCCCTTTGGCAGTAACCTCTTCAGAGCC-3'
Protein context (NP_003015.2, residues 813-833): VKPVTDSTSA[Pro823Arg]APKLALRETP